The following is an entry in ClinVar:

NM_013339.4(ALG6):c.493C>T (p.Gln165Ter)

Gene: ALG6 (ALG6 alpha-1,3-glucosyltransferase; plus strand). Cytogenetic location: 1p31.3.
Variant type: single nucleotide variant.
Coding change: c.493C>T on transcript NM_013339.4 (MANE Select); coding-DNA position 493, C replaced by T.
Protein change: p.Gln165Ter; replaces glutamine 165 with a stop codon.
Molecular consequence: nonsense.
Genome position (GRCh38, 1-based): chr1:63,407,125, C>T. VCF-style: chr1-63407125-C-T. GRCh37 (hg19) VCF-style: chr1-63872796-C-T.
Other names: short protein forms Q165*.
Identifiers: ClinVar variation 2004426 (VCV002004426.4), dbSNP rs1644493063, ClinGen allele CA340634797.

ClinVar aggregate classification (germline): Pathogenic (1 of 4 stars; one submission).

Conditions:
ALG6-congenital disorder of glycosylation 1C (CDG1C). Also called: CARBOHYDRATE-DEFICIENT GLYCOPROTEIN SYNDROME, TYPE I, WITH DEFICIENT GLYCOSYLATION OF DOLICHOL-LINKED OLIGOSACCHARIDE; CARBOHYDRATE-DEFICIENT GLYCOPROTEIN SYNDROME, TYPE V; Congenital disorder of glycosylation type 1C; CDG Ic; Congenital disorder of glycosylation, type Ic. Identifiers: Orphanet 79320, MedGen C2930997, MONDO:0011291, OMIM 603147.

Allele frequency attached by ClinVar (database versions not stated): TOPMed below 0.00001.

Submission:

Labcorp Genetics (formerly Invitae), Labcorp
Classification: Pathogenic for ALG6-congenital disorder of glycosylation 1C. Last evaluated: 2025-12-15. Review status: criteria provided, single submitter. Criteria: Invitae Variant Classification Sherloc (09022015). Collection method: clinical testing. Allele origin: germline.
Comment: This sequence change creates a premature translational stop signal (p.Gln165*) in the ALG6 gene. It is expected to result in an absent or disrupted protein product. Loss-of-function variants in ALG6 are known to be pathogenic (PMID: 19862844). This variant is not present in population databases (gnomAD no frequency). This variant has not been reported in the literature in individuals affected with ALG6-related conditions. ClinVar contains an entry for this variant (Variation ID: 2004426). Algorithms developed to predict the effect of sequence changes on RNA splicing suggest that this variant may disrupt the consensus splice site. For these reasons, this variant has been classified as Pathogenic.

Literature cited by the submitters: PubMed 19862844.